The following is an entry in ClinVar:

ClinVar aggregate classification (germline): Uncertain significance. Review status: criteria provided, multiple submitters, no conflicts (2 of 4 stars). 2 submissions from 2 submitters: Uncertain significance (2). Last evaluated 2024-12-12.

Conditions:
Inborn genetic diseases. Identifiers: MedGen C0950123, MeSH D030342.

Submissions (2):

Ambry Genetics
Classification: Uncertain significance for Inborn genetic diseases. Last evaluated: 2024-12-12. Review status: criteria provided, single submitter. Criteria: Ambry Variant Classification Scheme 2023. Collection method: clinical testing. Allele origin: germline.

Greenwood Genetic Center Diagnostic Laboratories, Greenwood Genetic Center
Classification: Uncertain significance. Last evaluated: 2023-04-25. Review status: criteria provided, single submitter. Criteria: ACMG Guidelines, 2015. Collection method: clinical testing. Allele origin: germline. Affected: yes.
Comment: PM2 PP2

NM_000489.6(ATRX):c.5012G>A (p.Arg1671Lys)

Gene: ATRX (ATRX chromatin remodeler; minus strand). Cytogenetic location: Xq21.1.
Variant type: single nucleotide variant.
Coding change: c.5012G>A on transcript NM_000489.6 (MANE Select); coding-DNA position 5012, G replaced by A.
Protein change: p.Arg1671Lys; replaces arginine 1671 with lysine.
Molecular consequence: missense variant.
Genome position (GRCh38, 1-based): chrX:77,633,329, C>T on the plus strand (G>A on the coding strand, the complement: ATRX is on the minus strand). VCF-style: chrX-77633329-C-T. GRCh37 (hg19) VCF-style: chrX-76888817-C-T.
Other names: c.4898G>A, p.Arg1633Lys (NM_138270.5); c.5012G>A (NM_000489.3); short protein forms R1633K, R1671K.
Identifiers: ClinVar variation 2572370 (VCV002572370.2), dbSNP rs2522373830, ClinGen allele CA413703664.